The following is an entry in ClinVar:

NM_001218.5(CA12):c.287-5C>T

Gene: CA12 (carbonic anhydrase 12; minus strand). Cytogenetic location: 15q22.2.
Variant type: single nucleotide variant.
Coding change: c.287-5C>T on transcript NM_001218.5 (MANE Select); 5 bases into the intron before coding-DNA position 287, C replaced by T.
Molecular consequence: intron variant. On other transcripts: non-coding transcript variant (1).
Genome position (GRCh38, 1-based): chr15:63,345,624, G>A on the plus strand (C>T on the coding strand, the complement: CA12 is on the minus strand). VCF-style: chr15-63345624-G-A. GRCh37 (hg19) VCF-style: chr15-63637823-G-A.
Other names: c.107-5C>T (NM_001293642.2); c.287-5C>T (NM_206925.3).
Identifiers: ClinVar variation 3057632 (VCV003057632.2), dbSNP rs200579432, ClinGen allele CA7602548.
Genomic context (GRCh38, chr15:63,345,624, plus strand): 5'-ACTGTAGCGAGACTGGAGGCCCTGGATGTGCATGTCCGAGGGCAGGTTCAGCTTCACTGC[G>A]GGGAGTGGAGGAGCAGCCTTCAGAGCCCCGGCCAGCTGTGCACTGCCAGAGAGCAGTCAG-3'

ClinVar aggregate classification (germline): Likely benign (0 of 4 stars; one submission).

Conditions:
CA12-related disorder. Also called: CA12-related condition.

Allele frequency attached by ClinVar (database versions not stated): gnomAD 0.00002; TOPMed 0.00002; ExAC 0.00007; 1000 Genomes Project 30x 0.00016; 1000 Genomes Project 0.00020.
gnomAD v4.1: 37 of 1,610,838 alleles (0.0023%); highest among the groups gnomAD compares: Middle Eastern, 0.017%; no homozygotes.

Submission:

PreventionGenetics, part of Exact Sciences
Classification: Likely benign for CA12-related condition. Last evaluated: 2019-03-28. Review status: no assertion criteria provided. Collection method: clinical testing. Allele origin: germline.
Comment: This variant is classified as likely benign based on ACMG/AMP sequence variant interpretation guidelines (Richards et al. 2015 PMID: 25741868, with internal and published modifications).